The following is an entry in ClinVar:

NM_032043.3(BRIP1):c.1777T>C (p.Cys593Arg)

Gene: BRIP1 (BRCA1 interacting DNA helicase 1; minus strand). Cytogenetic location: 17q23.2.
Variant type: single nucleotide variant.
Coding change: c.1777T>C on transcript NM_032043.3 (MANE Select); coding-DNA position 1777, T replaced by C.
Protein change: p.Cys593Arg; replaces cysteine 593 with arginine.
Molecular consequence: missense variant.
Genome position (GRCh38, 1-based): chr17:61,780,857, A>G on the plus strand (T>C on the coding strand, the complement: BRIP1 is on the minus strand). VCF-style: chr17-61780857-A-G. GRCh37 (hg19) VCF-style: chr17-59858218-A-G.
Other names: short protein forms C593R.
Identifiers: ClinVar variation 3825702 (VCV003825702.1).

ClinVar aggregate classification (germline): Uncertain significance (1 of 4 stars; one submission).

Conditions:
Hereditary cancer-predisposing syndrome. Also called: Hereditary neoplastic syndrome; Neoplastic Syndromes, Hereditary; Tumor predisposition; Hereditary Cancer Syndrome. Identifiers: Orphanet 140162, MedGen C0027672, MeSH D009386, MONDO:0015356.

Submission:

Ambry Genetics
Classification: Uncertain significance for Hereditary cancer-predisposing syndrome. Last evaluated: 2025-03-13. Review status: criteria provided, single submitter. Criteria: Ambry Variant Classification Scheme 2023. Collection method: clinical testing. Allele origin: germline.
Comment: The p.C593R variant (also known as c.1777T>C), located in coding exon 11 of the BRIP1 gene, results from a T to C substitution at nucleotide position 1777. The cysteine at codon 593 is replaced by arginine, an amino acid with highly dissimilar properties. In this individual, the variant was confirmed in trans with another missense alteration in FANCJ/BRIP1; however, functional analyses were not able to be completed in this case (Li N et al. Exp Hematol, 2018 Oct;66:32-41.e8). This amino acid position is highly conserved in available vertebrate species. In addition, this alteration is predicted to be deleterious by in silico analysis. Based on the available evidence, the clinical significance of this variant remains unclear.

Literature cited by the submitters: PubMed 30031030.